The following is an entry in ClinVar:

ClinVar aggregate classification (germline): Uncertain significance (1 of 4 stars; one submission).

gnomAD v4.1: 15 of 1,613,926 alleles (0.00093%); highest among the groups gnomAD compares: Non-Finnish European, 0.0012%; no homozygotes.

Submission:

Labcorp Genetics (formerly Invitae), Labcorp
Classification: Uncertain significance. Last evaluated: 2026-02-01. Review status: criteria provided, single submitter. Criteria: Invitae Variant Classification Sherloc (09022015). Collection method: clinical testing. Allele origin: germline.
Comment: This sequence change creates a premature translational stop signal (p.Cys1016*) in the DNA2 gene. It is expected to result in an absent or disrupted protein product. However, the current clinical and genetic evidence is not sufficient to establish whether loss-of-function variants in DNA2 cause disease. This variant is present in population databases (rs749586569, gnomAD 0.002%). This variant has not been reported in the literature in individuals affected with DNA2-related conditions. Algorithms developed to predict the effect of sequence changes on RNA splicing suggest that this variant may disrupt the consensus splice site. In summary, the available evidence is currently insufficient to determine the role of this variant in disease. Therefore, it has been classified as a Variant of Uncertain Significance.

NM_001080449.3(DNA2):c.3048T>A (p.Cys1016Ter)

Gene: DNA2 (DNA replication helicase/nuclease 2; minus strand). Cytogenetic location: 10q21.3.
Variant type: single nucleotide variant.
Coding change: c.3048T>A on transcript NM_001080449.3 (MANE Select); coding-DNA position 3048, T replaced by A.
Protein change: p.Cys1016Ter; replaces cysteine 1016 with a stop codon.
Molecular consequence: nonsense. On other transcripts: non-coding transcript variant (1).
Genome position (GRCh38, 1-based): chr10:68,416,775, A>T on the plus strand (T>A on the coding strand, the complement: DNA2 is on the minus strand). VCF-style: chr10-68416775-A-T. GRCh37 (hg19) VCF-style: chr10-70176532-A-T.
Other names: short protein forms C1016*.
Identifiers: ClinVar variation 4772315 (VCV004772315.1).